The following is an entry in ClinVar:

NM_001174096.2(ZEB1):c.1502C>G (p.Thr501Arg)

Gene: ZEB1 (zinc finger E-box binding homeobox 1; plus strand). Cytogenetic location: 10p11.22.
Variant type: single nucleotide variant.
Coding change: c.1502C>G on transcript NM_001174096.2 (MANE Select); coding-DNA position 1502, C replaced by G.
Protein change: p.Thr501Arg; replaces threonine 501 with arginine.
Molecular consequence: missense variant.
Genome position (GRCh38, 1-based): chr10:31,520,834, C>G. VCF-style: chr10-31520834-C-G. GRCh37 (hg19) VCF-style: chr10-31809762-C-G.
Other names: c.845C>G, p.Thr282Arg (NM_001323659.2, NM_001323660.2, NM_001323661.2 and 27 more transcripts); c.1277C>G, p.Thr426Arg (NM_001323674.2); c.1235C>G, p.Thr412Arg (NM_001323675.2); c.1460C>G, p.Thr487Arg (NM_001323676.2); c.1457C>G, p.Thr486Arg (NM_001323677.2); c.1226C>G, p.Thr409Arg (NM_001323678.2); c.1499C>G, p.Thr500Arg (NM_030751.6); c.1451C>G, p.Thr484Arg (NM_001128128.3); and 3 more; short protein forms T282R, T426R, T433R, T409R, T483R, T484R, T486R, T487R.
Identifiers: ClinVar variation 3677596 (VCV003677596.2).

ClinVar aggregate classification (germline): Uncertain significance (1 of 4 stars; one submission).

gnomAD v4.1: 3 of 1,613,994 alleles (0.00019%); highest among the groups gnomAD compares: Non-Finnish European, 0.00025%; no homozygotes.

Submission:

Labcorp Genetics (formerly Invitae), Labcorp
Classification: Uncertain significance. Last evaluated: 2024-02-28. Review status: criteria provided, single submitter. Criteria: Invitae Variant Classification Sherloc (09022015). Collection method: clinical testing. Allele origin: germline.
Comment: This sequence change replaces threonine, which is neutral and polar, with arginine, which is basic and polar, at codon 500 of the ZEB1 protein (p.Thr500Arg). This variant is not present in population databases (gnomAD no frequency). This variant has not been reported in the literature in individuals affected with ZEB1-related conditions. Advanced modeling of protein sequence and biophysical properties (such as structural, functional, and spatial information, amino acid conservation, physicochemical variation, residue mobility, and thermodynamic stability) performed at Invitae indicates that this missense variant is not expected to disrupt ZEB1 protein function with a negative predictive value of 80%. In summary, the available evidence is currently insufficient to determine the role of this variant in disease. Therefore, it has been classified as a Variant of Uncertain Significance.